The following is an entry in ClinVar:

ClinVar aggregate classification (germline): Uncertain significance. Review status: criteria provided, multiple submitters, no conflicts (2 of 4 stars). 2 submissions from 2 submitters: Uncertain significance (2). Last evaluated 2025-10-06.

Conditions:
Inborn genetic diseases. Identifiers: MedGen C0950123, MeSH D030342.

Allele frequency attached by ClinVar (database versions not stated): TOPMed below 0.00001; gnomAD 0.00001.
gnomAD v4.1: 13 of 1,283,078 alleles (0.001%); highest among the groups gnomAD compares: Non-Finnish European, 0.0013%; no homozygotes.

Submissions (2):

Ambry Genetics
Classification: Uncertain significance for Inborn genetic diseases. Last evaluated: 2025-10-06. Review status: criteria provided, single submitter. Criteria: Ambry Variant Classification Scheme 2023. Collection method: clinical testing. Allele origin: germline.

GeneDx
Classification: Uncertain significance. Last evaluated: 2024-01-08. Review status: criteria provided, single submitter. Criteria: GeneDx Variant Classification Process June 2021. Collection method: clinical testing. Allele origin: germline. Affected: yes.
Comment: Not observed at significant frequency in large population cohorts (gnomAD); In silico analysis supports that this missense variant does not alter protein structure/function; Has not been previously published as pathogenic or benign to our knowledge

NM_152490.5(B3GALNT2):c.103G>C (p.Gly35Arg)

Gene: B3GALNT2 (beta-1,3-N-acetylgalactosaminyltransferase 2; minus strand). Cytogenetic location: 1q42.3.
Variant type: single nucleotide variant.
Coding change: c.103G>C on transcript NM_152490.5 (MANE Select); coding-DNA position 103, G replaced by C.
Protein change: p.Gly35Arg; replaces glycine 35 with arginine.
Molecular consequence: missense variant.
Genome position (GRCh38, 1-based): chr1:235,504,150, C>G on the plus strand (G>C on the coding strand, the complement: B3GALNT2 is on the minus strand). VCF-style: chr1-235504150-C-G. GRCh37 (hg19) VCF-style: chr1-235667450-C-G.
Other names: c.103G>C, p.Gly35Arg (NM_001277155.3); short protein forms G35R.
Identifiers: ClinVar variation 3252565 (VCV003252565.2), dbSNP rs1355670872.